The following is an entry in ClinVar:

ClinVar aggregate classification (germline): Uncertain significance. Review status: criteria provided, multiple submitters, no conflicts (2 of 4 stars). 4 submissions from 4 submitters: Uncertain significance (4). Last evaluated 2025-05-01.

Conditions:
Inborn genetic diseases. Identifiers: MedGen C0950123, MeSH D030342.

Allele frequency attached by ClinVar (database versions not stated): ExAC 0.00003; gnomAD exomes 0.00004; ESP Exome Variant Server 0.00009; gnomAD 0.00009 and 0.00010; TOPMed 0.00011.
gnomAD v4.1: 31 of 1,552,934 alleles (0.002%); highest among the groups gnomAD compares: African/African-American, 0.031%; no homozygotes.

Submissions (4):

Ambry Genetics
Classification: Uncertain significance for Inborn genetic diseases. Last evaluated: 2025-05-01. Review status: criteria provided, single submitter. Criteria: Ambry Variant Classification Scheme 2023. Collection method: clinical testing. Allele origin: germline.

GeneDx
Classification: Uncertain significance. Last evaluated: 2023-06-16. Review status: criteria provided, single submitter. Criteria: GeneDx Variant Classification Process June 2021. Collection method: clinical testing. Allele origin: germline. Affected: yes.
Comment: In silico analysis supports that this missense variant does not alter protein structure/function; Has not been previously published as pathogenic or benign to our knowledge

Blueprint Genetics
Classification: Uncertain significance. Last evaluated: 2022-07-08. Review status: criteria provided, single submitter. Criteria: ACMG Guidelines, 2015. Collection method: clinical testing. Allele origin: germline.

Laboratory for Molecular Medicine, Mass General Brigham Personalized Medicine
Classification: Uncertain significance. Last evaluated: 2016-08-31. Review status: criteria provided, single submitter. Criteria: LMM Criteria. Collection method: clinical testing. Allele origin: germline. Observed: 1 variant allele.
Comment: The p.Trp63Arg variant in OTOGL has not been previously reported in individuals with hearing loss, and has been identified in 1/1188 Latino chromosomes by the E xome Aggregation Consortium (ExAC; dbSNP rs36947 3810). Although this variant has been seen in the general population, its frequ ency is not high enough to rule out a pathogenic role. Computational prediction tools and conservation analyses do not provide strong support for or against an impact to the protein. In summary, the clinical significance of the p.Trp63Arg v ariant is uncertain.

NM_001378609.3(OTOGL):c.214T>C (p.Trp72Arg)

Gene: OTOGL (otogelin like; plus strand). Cytogenetic location: 12q21.31.
Variant type: single nucleotide variant.
Coding change: c.214T>C on transcript NM_001378609.3 (MANE Select); coding-DNA position 214, T replaced by C.
Protein change: p.Trp72Arg; replaces tryptophan 72 with arginine.
Molecular consequence: missense variant.
Genome position (GRCh38, 1-based): chr12:80,217,643, T>C. VCF-style: chr12-80217643-T-C. GRCh37 (hg19) VCF-style: chr12-80611423-T-C.
Other names: c.214T>C, p.Trp72Arg (NM_001368062.3, NM_001378610.3, NM_173591.7); short protein forms W63R, W72R.
Identifiers: ClinVar variation 504841 (VCV000504841.10), dbSNP rs369473810, ClinGen allele CA6700095.
Genomic context (GRCh38, chr12:80,217,643, plus strand): 5'-TTCTTTCTTTCAAAGTTTGAAGCTACTTCTCCGAGATACTTTTTCCATGATGCTATTAAT[T>C]GGGGTGAGAGCAAAATAAAAGGTCAGTGTTTATACTTAGGTTTTCATATTTGCTTTCTCA-3'
Protein context (NP_001365538.2, residues 62-82): PRYFFHDAIN[Trp72Arg]GESKIKGSCP